The following is an entry in ClinVar:

NM_001382347.1(MYO5A):c.911A>T (p.Glu304Val)

Gene: MYO5A (myosin VA; minus strand). Cytogenetic location: 15q21.2.
Variant type: single nucleotide variant.
Coding change: c.911A>T on transcript NM_001382347.1 (MANE Select); coding-DNA position 911, A replaced by T.
Protein change: p.Glu304Val; replaces glutamic acid 304 with valine.
Molecular consequence: missense variant.
Genome position (GRCh38, 1-based): chr15:52,407,327, T>A on the plus strand (A>T on the coding strand, the complement: MYO5A is on the minus strand). VCF-style: chr15-52407327-T-A. GRCh37 (hg19) VCF-style: chr15-52699524-T-A.
Other names: c.911A>T, p.Glu304Val (NM_000259.3, NM_001142495.2, NM_001411135.1); c.983A>T, p.Glu328Val (NM_001382348.1, NM_001382349.1); short protein forms E304V, E328V.
Identifiers: ClinVar variation 1940770 (VCV001940770.5), dbSNP rs2043050391, ClinGen allele CA392509439.

ClinVar aggregate classification (germline): Uncertain significance (1 of 4 stars; one submission).

Allele frequency attached by ClinVar (database versions not stated): gnomAD exomes below 0.00001; TOPMed below 0.00001.
gnomAD v4.1: 5 of 1,613,714 alleles (0.00031%); highest among the groups gnomAD compares: Non-Finnish European, 0.00042%; no homozygotes.

Submission:

Labcorp Genetics (formerly Invitae), Labcorp
Classification: Uncertain significance. Last evaluated: 2022-11-21. Review status: criteria provided, single submitter. Criteria: Invitae Variant Classification Sherloc (09022015). Collection method: clinical testing. Allele origin: germline.
Comment: In summary, the available evidence is currently insufficient to determine the role of this variant in disease. Therefore, it has been classified as a Variant of Uncertain Significance. Algorithms developed to predict the effect of sequence changes on RNA splicing suggest that this variant may create or strengthen a splice site. Advanced modeling of protein sequence and biophysical properties (such as structural, functional, and spatial information, amino acid conservation, physicochemical variation, residue mobility, and thermodynamic stability) performed at Invitae indicates that this missense variant is not expected to disrupt MYO5A protein function. This variant has not been reported in the literature in individuals affected with MYO5A-related conditions. This variant is not present in population databases (gnomAD no frequency). This sequence change replaces glutamic acid, which is acidic and polar, with valine, which is neutral and non-polar, at codon 304 of the MYO5A protein (p.Glu304Val).